The following is an entry in ClinVar:

ClinVar aggregate classification (germline): Pathogenic (1 of 4 stars; one submission).

Conditions:
Bardet-Biedl syndrome (BBS). Identifiers: Orphanet 110, MedGen C0752166, MONDO:0015229.

Submission:

Labcorp Genetics (formerly Invitae), Labcorp
Classification: Pathogenic for Bardet-Biedl syndrome. Last evaluated: 2024-10-17. Review status: criteria provided, single submitter. Criteria: Invitae Variant Classification Sherloc (09022015). Collection method: clinical testing. Allele origin: germline.
Comment: This sequence change creates a premature translational stop signal (p.Glu82Lysfs*2) in the BBS9 gene. It is expected to result in an absent or disrupted protein product. Loss-of-function variants in BBS9 are known to be pathogenic (PMID: 16380913, 20177705). This variant is not present in population databases (gnomAD no frequency). This variant has not been reported in the literature in individuals affected with BBS9-related conditions. ClinVar contains an entry for this variant (Variation ID: 1407455). For these reasons, this variant has been classified as Pathogenic.

Literature cited by the submitters: PubMed 16380913; PubMed 20177705.

NM_198428.3(BBS9):c.244del (p.Glu82fs)

Gene: BBS9 (Bardet-Biedl syndrome 9; plus strand). Cytogenetic location: 7p14.3.
Variant type: Deletion.
Coding change: c.244del on transcript NM_198428.3 (MANE Select); coding-DNA position 244, one base deleted (G; older notation c.244delG).
Protein change: p.Glu82fs; shifts the reading frame from glutamic acid 82.
Molecular consequence: frameshift variant. On other transcripts: 5 prime UTR variant (4), non-coding transcript variant (3), intron variant (2).
Genome position (GRCh38, 1-based): chr7:33,152,832, G deleted; the last of 2 consecutive G bases (chr7:33,152,831-33,152,832); deleting either gives the same sequence. VCF-style (leftmost placement, unchanged base first): chr7-33152830-TG-T. GRCh37 (hg19) VCF-style: chr7-33192442-TG-T.
Other names: c.244del, p.Glu82fs (NM_001033604.2, NM_001033605.2, NM_001348036.1 and 5 more transcripts); c.-58del (NM_001348037.3, NM_001348045.3); c.-34del (NM_001348038.3, NM_001348039.3); c.109del, p.Glu37fs (NM_001348042.3); c.-39+22791del (NM_001348046.3, NM_001348044.3); short protein forms E82fs, E37fs.
Identifiers: ClinVar variation 1407455 (VCV001407455.6), dbSNP rs2128108391, ClinGen allele CA2573142098.